The following is an entry in ClinVar:

ClinVar aggregate classification (germline): Uncertain significance (1 of 4 stars; one submission).

Submission:

GeneDx
Classification: Uncertain significance. Last evaluated: 2022-11-07. Review status: criteria provided, single submitter. Criteria: GeneDx Variant Classification Process June 2021. Collection method: clinical testing. Allele origin: germline. Affected: yes.
Comment: Not observed at significant frequency in large population cohorts (gnomAD); In silico analysis supports that this missense variant has a deleterious effect on protein structure/function; Has not been previously published as pathogenic or benign to our knowledge

NM_007118.4(TRIO):c.8478T>G (p.Phe2826Leu)

Gene: TRIO (trio Rho guanine nucleotide exchange factor; plus strand). Cytogenetic location: 5p15.2.
Variant type: single nucleotide variant.
Coding change: c.8478T>G on transcript NM_007118.4 (MANE Select); coding-DNA position 8478, T replaced by G.
Protein change: p.Phe2826Leu; replaces phenylalanine 2826 with leucine.
Molecular consequence: missense variant. On other transcripts: non-coding transcript variant (1).
Genome position (GRCh38, 1-based): chr5:14,504,459, T>G. VCF-style: chr5-14504459-T-G. GRCh37 (hg19) VCF-style: chr5-14504568-T-G.
Other names: short protein forms F2826L.
Identifiers: ClinVar variation 2501452 (VCV002501452.1), dbSNP rs2477690453, ClinGen allele CA359240022.